The following is an entry in ClinVar:

ClinVar aggregate classification (germline): Conflicting classifications of pathogenicity. Review status: criteria provided, conflicting classifications (1 of 4 stars). 4 submissions from 4 submitters: Uncertain significance (3); Likely benign (1). Last evaluated 2025-11-03.

Conditions:
Developmental delay, hypotonia, musculoskeletal defects, and behavioral abnormalities. Identifiers: MedGen C5562012, MONDO:0859202, OMIM 619595.
Floating-Harbor syndrome (FLHS). Also called: Short stature with delayed bone age, expressive language delay, a triangular face with a prominent nose and deep-set eyes; Pelletier-Leisti syndrome; SRCAP-Related Floating-Harbor Syndrome. Identifiers: Orphanet 2044, MedGen C0729582, MONDO:0007621, OMIM 136140.
Inborn genetic diseases. Identifiers: MedGen C0950123, MeSH D030342.

Allele frequency attached by ClinVar (database versions not stated): gnomAD 0.00003 and 0.00004; TOPMed 0.00003; gnomAD exomes 0.00005; ExAC 0.00008; ESP Exome Variant Server 0.00008.
gnomAD v4.1: 63 of 1,612,614 alleles (0.0039%); highest among the groups gnomAD compares: Non-Finnish European, 0.0052%; no homozygotes.

Submissions (4):

Labcorp Genetics (formerly Invitae), Labcorp
Classification: Uncertain significance. Last evaluated: 2025-11-03. Review status: criteria provided, single submitter. Criteria: Invitae Variant Classification Sherloc (09022015). Collection method: clinical testing. Allele origin: germline.
Comment: This sequence change replaces arginine, which is basic and polar, with glutamine, which is neutral and polar, at codon 1871 of the SRCAP protein (p.Arg1871Gln). This variant is present in population databases (rs375163006, gnomAD 0.009%). This variant has not been reported in the literature in individuals affected with SRCAP-related conditions. ClinVar contains an entry for this variant (Variation ID: 1342445). Invitae Evidence Modeling of protein sequence and biophysical properties (such as structural, functional, and spatial information, amino acid conservation, physicochemical variation, residue mobility, and thermodynamic stability) indicates that this missense variant is not expected to disrupt SRCAP protein function with a negative predictive value of 80%. In summary, the available evidence is currently insufficient to determine the role of this variant in disease. Therefore, it has been classified as a Variant of Uncertain Significance.

Ambry Genetics
Classification: Likely benign for Inborn genetic diseases. Last evaluated: 2025-05-05. Review status: criteria provided, single submitter. Criteria: Ambry Variant Classification Scheme 2023. Collection method: clinical testing. Allele origin: germline.

Fulgent Genetics
Classification: Uncertain significance for Floating-Harbor syndrome; Developmental delay, hypotonia, musculoskeletal defects, and behavioral abnormalities. Last evaluated: 2024-04-18. Review status: criteria provided, single submitter. Criteria: ACMG Guidelines, 2015. Collection method: clinical testing. Allele origin: germline.

New York Genome Center
Classification: Uncertain significance for Floating-Harbor syndrome. Last evaluated: 2021-03-19. Review status: criteria provided, single submitter. Criteria: NYGC Assertion Criteria 2020. Collection method: clinical testing. Allele origin: inherited. Observed: 1 heterozygote. Study: CSER-NYCKidSeq.

NM_006662.3(SRCAP):c.5612G>A (p.Arg1871Gln)

Gene: SRCAP (Snf2 related CREBBP activator protein; plus strand). Cytogenetic location: 16p11.2.
Variant type: single nucleotide variant.
Coding change: c.5612G>A on transcript NM_006662.3 (MANE Select); coding-DNA position 5612, G replaced by A.
Protein change: p.Arg1871Gln; replaces arginine 1871 with glutamine.
Molecular consequence: missense variant.
Genome position (GRCh38, 1-based): chr16:30,725,036, G>A. VCF-style: chr16-30725036-G-A. GRCh37 (hg19) VCF-style: chr16-30736357-G-A.
Other names: c.5612G>A (NM_006662.2); short protein forms R1871Q.
Identifiers: ClinVar variation 1342445 (VCV001342445.8), dbSNP rs375163006, ClinGen allele CA8012023.
Genomic context (GRCh38, chr16:30,725,036, plus strand): 5'-TGACATTGCGCTCTGGTCCCCCCAGCCCTCCCTCCACTGCTACCTCGTTTGGTGGCCCCC[G>A]GCCTCGACGCCAGCCCCCCCCACCACCTCGTTCCCCTTTTTATCTGGTAAGTTTTACTTC-3'
Protein context (NP_006653.2, residues 1861-1881): PSTATSFGGP[Arg1871Gln]PRRQPPPPPR